The following is an entry in ClinVar:

NM_003978.5(PSTPIP1):c.864C>A (p.Tyr288Ter)

Gene: PSTPIP1 (proline-serine-threonine phosphatase interacting protein 1; plus strand). Cytogenetic location: 15q24.3.
Variant type: single nucleotide variant.
Coding change: c.864C>A on transcript NM_003978.5 (MANE Select); coding-DNA position 864, C replaced by A.
Protein change: p.Tyr288Ter; replaces tyrosine 288 with a stop codon.
Molecular consequence: nonsense. On other transcripts: intron variant (1).
Genome position (GRCh38, 1-based): chr15:77,032,887, C>A. VCF-style: chr15-77032887-C-A. GRCh37 (hg19) VCF-style: chr15-77325228-C-A.
Other names: c.837C>A, p.Tyr279Ter (NM_001321136.2); c.1059C>A, p.Tyr353Ter (NM_001321137.1); c.864C>A, p.Tyr288Ter (NM_001411086.1); c.872+459C>A (NM_001321135.2); short protein forms Y353*, Y288*, Y279*.
Identifiers: ClinVar variation 2909692 (VCV002909692.3), dbSNP rs763986763, ClinGen allele CA273760675.
Genomic context (GRCh38, chr15:77,032,887, plus strand): 5'-GGGCCGCCCTGGGGCTCACGGCTTGCTGTCTGCAGCTCCGGTGCCCTACCAGAACTATTA[C>A]GATCGGGAGGTCACCCCGCTGACCAGCAGCCCTGGCATACAGCCGTCCTGCGGCATGATA-3'

ClinVar aggregate classification (germline): Uncertain significance (1 of 4 stars; one submission).

Conditions:
Pyogenic arthritis-pyoderma gangrenosum-acne syndrome (PAPA). Also called: PAPA SYNDROME; FAMILIAL RECURRENT ARTHRITIS. Identifiers: Orphanet 69126, MedGen C1858361, MONDO:0011462, OMIM 604416.

gnomAD v4.1: 8 of 1,599,956 alleles (0.0005%); highest among the groups gnomAD compares: African/African-American, 0.0013%; no homozygotes.

Submission:

Labcorp Genetics (formerly Invitae), Labcorp
Classification: Uncertain significance for Pyogenic arthritis-pyoderma gangrenosum-acne syndrome. Last evaluated: 2025-07-03. Review status: criteria provided, single submitter. Criteria: Invitae Variant Classification Sherloc (09022015). Collection method: clinical testing. Allele origin: germline.
Comment: This sequence change creates a premature translational stop signal (p.Tyr288*) in the PSTPIP1 gene. It is expected to result in an absent or disrupted protein product. However, the current clinical and genetic evidence is not sufficient to establish whether loss-of-function variants in PSTPIP1 cause disease. This variant is not present in population databases (gnomAD no frequency). This variant has not been reported in the literature in individuals affected with PSTPIP1-related conditions. ClinVar contains an entry for this variant (Variation ID: 2909692). In summary, the available evidence is currently insufficient to determine the role of this variant in disease. Therefore, it has been classified as a Variant of Uncertain Significance.